The following is an entry in ClinVar:

NM_000540.3(RYR1):c.131G>A (p.Arg44His)

Gene: RYR1 (ryanodine receptor 1; plus strand). Cytogenetic location: 19q13.2.
Variant type: single nucleotide variant.
Coding change: c.131G>A on transcript NM_000540.3 (MANE Select); coding-DNA position 131, G replaced by A.
Protein change: p.Arg44His; replaces arginine 44 with histidine.
Molecular consequence: missense variant.
Genome position (GRCh38, 1-based): chr19:38,440,830, G>A. VCF-style: chr19-38440830-G-A. GRCh37 (hg19) VCF-style: chr19-38931470-G-A.
Other names: NM_000540.2(RYR1):c.131G>A; c.131G>A, p.Arg44His (NM_001042723.2); short protein forms R44H.
Identifiers: ClinVar variation 133046 (VCV000133046.64), dbSNP rs139161723, ClinGen allele CA024037.
Genomic context (GRCh38, chr19:38,440,830, plus strand): 5'-GCGCTACCGTGCTCAAGGAGCAGCTCAAGCTCTGCCTGGCCGCCGAGGGCTTCGGCAACC[G>A]CCTGTGCTTCCTGGAGCCCACTAGCAACGCGCAGGTCTGTGCAGGAGGGAGAGGGGCCTG-3'
Protein context (NP_000531.2, residues 34-54): LCLAAEGFGN[Arg44His]LCFLEPTSNA

ClinVar aggregate classification (germline): Uncertain significance. Review status: reviewed by expert panel (3 of 4 stars). 18 submissions from 18 submitters: Uncertain significance (1). 17 of the submissions do not count toward it. Last evaluated 2025-08-01.

Conditions:
RYR1-related disorder. Also called: RYR1-related condition; RYR1-related disorders. Identifiers: MedGen CN239331.
Pulmonary Surfactant Metabolism Dysfunction, Dominant.
Inborn genetic diseases. Identifiers: MedGen C0950123, MeSH D030342.
Malignant hyperthermia of anesthesia. Also called: Anesthesic-triggered malignant hyperthermia. Identifiers: Orphanet 423, MedGen C0024591, MONDO:0018493, HP:0034733.
Central core disease, autosomal recessive. Identifiers: MedGen C4016368.
Malignant hyperthermia, susceptibility to, 1 (MHS1). Also called: Malignant hyperthermia suceptibility 1; Anesthesia related hyperthermia; Malignant hyperpyrexia; Fulminating hyperpyrexia; Pharmacogenic myopathy; RYR1-Related Malignant Hyperthermia Susceptibility. Identifiers: Orphanet 423, MedGen C2930980, MONDO:0007783, OMIM 145600.

Allele frequency attached by ClinVar (database versions not stated): ExAC 0.00001; gnomAD 0.00001; gnomAD exomes 0.00001; TOPMed 0.00001; ESP Exome Variant Server 0.00008.
gnomAD v4.1: 24 of 1,611,106 alleles (0.0015%); highest among the groups gnomAD compares: South Asian, 0.0077%; no homozygotes.

Submissions 1 to 5 of 18:

ClinGen Malignant Hyperthermia Susceptibility Variant Curation Expert Panel, ClinGen
Classification: Uncertain significance for Malignant hyperthermia, susceptibility to, 1. Last evaluated: 2025-08-01. Review status: reviewed by expert panel. Criteria: RYR1-MHS Interpretation Guidelines V2. Collection method: curation. Allele origin: germline. Inheritance: Autosomal dominant inheritance. Study: ClinGen.
Comment: This pathogenicity assessment is relevant only for malignant hyperthermia susceptibility (MHS) inherited in an autosomal dominant pattern. Variants in RYR1 can also cause other myopathies inherited in an autosomal dominant pattern or in an autosomal recessive pattern. Some of these disorders may predispose individuals to malignant hyperthermia. RYR1 variants may also contribute to a malignant hyperthermia reaction in combination with other genetic and non-genetic factors and the clinician needs to consider such factors in making management decisions. This sequence variant predicts a substitution of arginine with histidine at codon 44 of the RYR1 protein, p.(Arg44His). The maximum allele frequency for this variant among the six major gnomAD populations is AFR: 0.000066, a frequency consistent with pathogenicity for MHS. This variant has been reported in an individual with a personal or family history of an MH episode and a positive in vitro contracture test (IVCT) or caffeine halothane contracture test (CHCT) result (if the proband was unavailable for testing, a positive diagnostic test result in a mutation-positive relative was counted), PS4_Supporting (PMID:30236257 ). No functional studies were identified for this variant. This variant resides in a region of RYR1 considered to be a hotspot for pathogenic variants that contribute to MHS, PM1, (PMID: 21118704). A REVEL score >0.85 supports a pathogenic status for this variant, PP3_Moderate. This variant has been classified as a Variant of Unknown Significance. Criteria implemented: PS4_Supporting, PM1, PP3_Moderate.

Ambry Genetics
Classification: Likely pathogenic for Inborn genetic diseases. Last evaluated: 2026-03-16. Review status: criteria provided, single submitter. Criteria: Ambry Variant Classification Scheme 2023. Collection method: clinical testing. Allele origin: germline. Not counted in ClinVar's aggregate classification.
Comment: The c.131G>A (p.R44H) alteration is located in exon 2 (coding exon 2) of the RYR1 gene. This alteration results from a G to A substitution at nucleotide position 131, causing the arginine (R) at amino acid position 44 to be replaced by a histidine (H). for autosomal dominant malignant hyperthermia susceptibility; however, its clinical significance for autosomal dominant RYR1-related myopathy and autosomal recessive RYR1-related myopathy is uncertain. Based on data from gnomAD, the A allele has an overall frequency of 0.001% (3/242016) total alleles studied. The highest observed frequency was 0.007% (1/15092) of African alleles. This variant was reported in individuals with features consistent with RYR1-related malignant hyperthermia susceptibility (Galli, 2006; Robinson, 2006; Miller, 2018; Silva, 2025; external communication). Additionally, this variant has been identified in conjunction with other RYR1 variant(s) in individual(s) with myopathy, but clinical details were limited (Nishikawa, 2017; Radziwonik-Fraczyk, 2024). Another variant at the same codon, c.130C>T (p.R44C), has been identified in individual(s) with features consistent with RYR1-related malignant hyperthermia susceptibility (Tammaro, 2003; Klingler, 2014). This amino acid position is highly conserved in available vertebrate species. Based on internal structural analysis, this variant is anticipated to disrupt a region of known function (Girgenrath, 2013; Kimlicka, 2013; Pancaroglu, 2018). This alteration is predicted to be deleterious by in silico analysis. Based on the available evidence, this alteration is classified as likely pathogenic.

Women's Health and Genetics/Laboratory Corporation of America, LabCorp
Classification: Pathogenic for Malignant hyperthermia of anesthesia. Last evaluated: 2026-03-03. Review status: criteria provided, single submitter. Criteria: LabCorp Variant Classification Summary - May 2015. Collection method: clinical testing. Allele origin: germline. Not counted in ClinVar's aggregate classification.
Comment: Variant summary: RYR1 c.131G>A (p.Arg44His) results in a non-conservative amino acid change in the encoded protein sequence. Algorithms developed to predict the effect of missense changes on protein structure and function all suggest that this variant is likely to be disruptive. The variant allele was found at a frequency of 1.2e-05 in 242016 control chromosomes (gnomAD). c.131G>A has been observed in the heterozygous state in individuals affected with Malignant Hyperthermia Susceptibility (Galli_2006, Robinson_2006, Santos_2025) or in the compound heterozygous state with an individual affected with myopathy (Radziwonik-Fraczyk_2024). These data indicate that the variant is likely to be associated with disease. A different variant affecting the same codon has been classified as likely pathogenic by our lab (c.130C>T, p.Arg44Cys), supporting the critical relevance of codon 44 to RYR1 protein function. To our knowledge, no experimental evidence demonstrating an impact on protein function has been reported. ClinVar contains an entry for this variant (Variation ID: 133046). Based on the evidence outlined above, the variant was classified as pathogenic.

Department of Pathophysiology and Transplantation, IRCCS Foundation Ca' Granda Ospedale Maggiore Policlinico
Classification: Pathogenic. Last evaluated: 2025-11-19. Review status: criteria provided, single submitter. Criteria: ACMG Guidelines, 2015. Collection method: research. Allele origin: biparental. Affected: yes. Observed: 1 variant allele. Not counted in ClinVar's aggregate classification.
Comment: The NM_000540.3: c.131G>A (coding exon 2) is a missense variant in RYR1, which results in the protein change p. Arg44His, located in the NTD-A mutational hotspot, important region involved in the stabilization of MIR folding domain. Western blot and immunofluorescent studies revealed an alteration in the expression and distribution of RyR1 and DHPR, that resulted extremely reduced and aggregated at the level of core area . The ultrastructural analysis showed large core areas, sometimes showing irregular network of myofilaments with mild Z-line thickening and fragmentation in some fibers. The variant was identified in homozigous state and was confirmed by segregation analysis. It was previously reported as associated with CCD. It is a rare molecular defects (gnomAD MAF <1%) and meets criteria ACMG/AMP to be classified as Pathogenic: PS4-PP3 (strong)-PM2-PM5-PM1-PP2.

Color Diagnostics, LLC DBA Color Health
Classification: Likely pathogenic for Malignant hyperthermia, susceptibility to, 1. Last evaluated: 2025-11-11. Review status: criteria provided, single submitter. Criteria: ACMG Guidelines, 2015. Collection method: clinical testing. Allele origin: germline. Not counted in ClinVar's aggregate classification.
Comment: This missense variant replaces arginine with histidine at codon 44 of the RYR1 protein. Computational prediction suggests that this variant may have deleterious impact on protein structure and function. This variant has been reported in several individuals affected with malignant hyperthermia susceptibility (PMID: 16835904, 16917943, 30236257, 41153347). This variant was reported to segregate with the malignant hyperthermia susceptibility in one family (PMID: 16835904). This variant has been identified in 24/1611106 chromosomes in the general population by the Genome Aggregation Database (gnomAD). A different missense variant occurring at the same codon, p.Arg44Cys, is known to cause disease (ClinVar Variation ID: 133045), indicating that the functional and clinical importance of this position. Based on the available evidence, this p.Arg44His variant is classified as Likely Pathogenic.